The following is an entry in ClinVar:

ClinVar aggregate classification (germline): Benign (0 of 4 stars; one submission).

Conditions:
MN1-related disorder. Also called: MN1-related condition.

Allele frequency attached by ClinVar (database versions not stated): gnomAD exomes 0.00019; ExAC 0.00098; ESP Exome Variant Server 0.00134; gnomAD 0.00223; TOPMed 0.00246; 1000 Genomes Project 0.00260; 1000 Genomes Project 30x 0.00297.
gnomAD v4.1: 624 of 1,601,292 alleles (0.039%); highest among the groups gnomAD compares: African/African-American, 0.71%; 4 homozygotes.

Submission:

PreventionGenetics, part of Exact Sciences
Classification: Benign for MN1-related condition. Last evaluated: 2019-06-11. Review status: no assertion criteria provided. Collection method: clinical testing. Allele origin: germline.
Comment: This variant is classified as benign based on ACMG/AMP sequence variant interpretation guidelines (Richards et al. 2015 PMID: 25741868, with internal and published modifications).

NM_002430.3(MN1):c.1563C>T (p.Ser521=)

Gene: MN1 (MN1 proto-oncogene, transcriptional regulator; minus strand). Cytogenetic location: 22q12.1.
Variant type: single nucleotide variant.
Coding change: c.1563C>T on transcript NM_002430.3 (MANE Select); coding-DNA position 1563, C replaced by T.
Protein change: p.Ser521=; no amino-acid change (serine 521 retained).
Molecular consequence: synonymous variant.
Genome position (GRCh38, 1-based): chr22:27,798,981, G>A on the plus strand (C>T on the coding strand, the complement: MN1 is on the minus strand). VCF-style: chr22-27798981-G-A. GRCh37 (hg19) VCF-style: chr22-28194969-G-A.
Identifiers: ClinVar variation 3033622 (VCV003033622.2), dbSNP rs377548418, ClinGen allele CA10166401.
Genomic context (GRCh38, chr22:27,798,981, plus strand): 5'-CTGTTGCTGCTGCTGCTGCTGCTGTTGCTGCTGCTGCTGCTGCTGCTGCTGCTGTTGCAG[G>A]GACTGGTGGTCCGGGGCCGGATGCTGCAGGGGCGGCCCCGAAGGGAAGCTGTCGGGCACA-3'
Protein context (NP_002421.3, residues 511-531): PLQHPAPDHQ[Ser521=]LQQQQQQQQQ